The following is an entry in ClinVar:

ClinVar aggregate classification (germline): Likely benign. Review status: criteria provided, single submitter (1 of 4 stars). 2 submissions from 2 submitters: Likely benign (1). 1 of the submissions does not count toward it. Last evaluated 2026-01-21.

Conditions:
HCFC1-related disorder. Also called: HCFC1-related condition.
Methylmalonic acidemia with homocystinuria, type cblX (MAHCX). Also called: INTELLECTUAL DEVELOPMENTAL DISORDER, X-LINKED 3. Identifiers: Orphanet 369962, MedGen C0796208, MONDO:0010657, OMIM 309541.

Allele frequency attached by ClinVar (database versions not stated): ExAC 0.00001; gnomAD exomes 0.00001 and 0.00003; gnomAD 0.00009 and 0.00011; TOPMed 0.00011; 1000 Genomes Project 30x 0.00021; 1000 Genomes Project 0.00026.
gnomAD v4.1: 28 of 1,207,700 alleles (0.0023%); highest among the groups gnomAD compares: African/African-American, 0.026%; no homozygotes.

Submissions (2):

Labcorp Genetics (formerly Invitae), Labcorp
Classification: Likely benign for Methylmalonic acidemia with homocystinuria, type cblX. Last evaluated: 2026-01-21. Review status: criteria provided, single submitter. Criteria: Invitae Variant Classification Sherloc (09022015). Collection method: clinical testing. Allele origin: germline.

PreventionGenetics, part of Exact Sciences
Classification: Likely benign for HCFC1-related condition. Last evaluated: 2019-04-29. Review status: no assertion criteria provided. Collection method: clinical testing. Allele origin: germline. Not counted in ClinVar's aggregate classification.
Comment: This variant is classified as likely benign based on ACMG/AMP sequence variant interpretation guidelines (Richards et al. 2015 PMID: 25741868, with internal and published modifications).

NM_005334.3(HCFC1):c.2955G>A (p.Pro985=)

Gene: HCFC1 (host cell factor C1; minus strand). Cytogenetic location: Xq28.
Variant type: single nucleotide variant.
Coding change: c.2955G>A on transcript NM_005334.3 (MANE Select); coding-DNA position 2955, G replaced by A.
Protein change: p.Pro985=; no amino-acid change (proline 985 retained).
Molecular consequence: synonymous variant.
Genome position (GRCh38, 1-based): chrX:153,955,444, C>T on the plus strand (G>A on the coding strand, the complement: HCFC1 is on the minus strand). VCF-style: chrX-153955444-C-T. GRCh37 (hg19) VCF-style: chrX-153220895-C-T.
Other names: c.2955G>A (NM_005334.2).
Identifiers: ClinVar variation 1569278 (VCV001569278.10), dbSNP rs182541172, ClinGen allele CA10557254.